The following is an entry in ClinVar:

NM_024664.4(PPCS):c.271C>G (p.Pro91Ala)

Genes: PPCS (phosphopantothenoylcysteine synthetase; plus strand), CCDC30 (coiled-coil domain containing 30; plus strand), LOC129930344 (ATAC-STARR-seq lymphoblastoid active region 894; plus strand). Cytogenetic location: 1p34.2.
Variant type: single nucleotide variant.
Coding change: c.271C>G on transcript NM_024664.4 (MANE Select); coding-DNA position 271, C replaced by G.
Protein change: p.Pro91Ala; replaces proline 91 with alanine.
Molecular consequence: missense variant. On other transcripts: 5 prime UTR variant (1), intron variant (6).
Genome position (GRCh38, 1-based): chr1:42,456,836, C>G. VCF-style: chr1-42456836-C-G. GRCh37 (hg19) VCF-style: chr1-42922507-C-G.
Other names: c.-422C>G (NM_001287510.2); c.271C>G, p.Pro91Ala (NM_001287511.2); c.-984+337C>G (NM_001355226.2); c.-328+337C>G (NM_001287507.1); c.-12+337C>G (NM_001287506.1); c.-12+112C>G (NM_001287508.2); c.-12+208C>G (NM_001077447.3); c.-12+253C>G (NM_001287509.2); short protein forms P91A.
Identifiers: ClinVar variation 1510024 (VCV001510024.7), dbSNP rs746009484, ClinGen allele CA339944668.

ClinVar aggregate classification (germline): Uncertain significance (1 of 4 stars; one submission).

Allele frequency attached by ClinVar (database versions not stated): TOPMed below 0.00001.
gnomAD v4.1: 5 of 1,613,548 alleles (0.00031%); highest among the groups gnomAD compares: Non-Finnish European, 0.00042%; no homozygotes.

Submission:

Labcorp Genetics (formerly Invitae), Labcorp
Classification: Uncertain significance. Last evaluated: 2021-11-24. Review status: criteria provided, single submitter. Criteria: Invitae Variant Classification Sherloc (09022015). Collection method: clinical testing. Allele origin: germline.
Comment: In summary, the available evidence is currently insufficient to determine the role of this variant in disease. Therefore, it has been classified as a Variant of Uncertain Significance. Algorithms developed to predict the effect of missense changes on protein structure and function are either unavailable or do not agree on the potential impact of this missense change (SIFT: "Deleterious"; PolyPhen-2: "Probably Damaging"; Align-GVGD: "Class C0"). This variant has not been reported in the literature in individuals affected with PPCS-related conditions. This variant is not present in population databases (gnomAD no frequency). This sequence change replaces proline, which is neutral and non-polar, with alanine, which is neutral and non-polar, at codon 91 of the PPCS protein (p.Pro91Ala).